The following is an entry in ClinVar:

NM_213655.5(WNK1):c.3008C>A (p.Ser1003Tyr)

Gene: WNK1 (WNK lysine deficient protein kinase 1; plus strand). Cytogenetic location: 12p13.33.
Variant type: single nucleotide variant.
Coding change: c.3008C>A on transcript NM_213655.5 (MANE Plus Clinical); coding-DNA position 3008, C replaced by A.
Protein change: p.Ser1003Tyr; replaces serine 1003 with tyrosine.
Molecular consequence: missense variant. On other transcripts: intron variant (2).
Genome position (GRCh38, 1-based): chr12:868,479, C>A. VCF-style: chr12-868479-C-A. GRCh37 (hg19) VCF-style: chr12-977645-C-A.
Other names: c.2753C>A, p.Ser918Tyr (NM_001184985.2); c.2140-2786C>A (NM_018979.4, NM_014823.3); short protein forms S1003Y, S918Y.
Identifiers: ClinVar variation 4534965 (VCV004534965.6).

ClinVar aggregate classification (germline): Uncertain significance (1 of 4 stars; one submission).

Submission:

CeGaT Center for Human Genetics Tuebingen
Classification: Uncertain significance. Last evaluated: 2025-10-01. Review status: criteria provided, single submitter. Criteria: CeGaT Center For Human Genetics Tuebingen Variant Classification Criteria Version 2. Collection method: clinical testing. Allele origin: germline. Affected: yes. Observed: 1 variant allele.
Comment: WNK1: PM2